The following is an entry in ClinVar:

NM_000455.5(STK11):c.*4T>G

Gene: STK11 (serine/threonine kinase 11; plus strand). Cytogenetic location: 19p13.3.
Variant type: single nucleotide variant.
Coding change: c.*4T>G on transcript NM_000455.5 (MANE Select); 4 bases downstream of the stop codon, T replaced by G.
Molecular consequence: 3 prime UTR variant. On other transcripts: non-coding transcript variant (1).
Genome position (GRCh38, 1-based): chr19:1,226,651, T>G. VCF-style: chr19-1226651-T-G. GRCh37 (hg19) VCF-style: chr19-1226650-T-G.
Identifiers: ClinVar variation 3904438 (VCV003904438.1).

ClinVar aggregate classification (germline): Benign (1 of 4 stars; one submission).

Conditions:
Peutz-Jeghers syndrome (PJS). Also called: POLYPOSIS, HAMARTOMATOUS INTESTINAL; POLYPS-AND-SPOTS SYNDROME; Peutz-Jeghers polyposis; Periorificial lentiginosis syndrome. Identifiers: Orphanet 2869, MedGen C0031269, MeSH D010580, MONDO:0008280, OMIM 175200.

Submission:

Myriad Genetics, Inc.
Classification: Benign for Peutz-Jeghers syndrome. Last evaluated: 2025-03-31. Review status: criteria provided, single submitter. Criteria: Myriad Autosomal Dominant, Autosomal Recessive and X-Linked Classification Criteria (2023). Collection method: clinical testing. Allele origin: unknown.
Comment: This variant is considered benign. This variant occurs in the non-coding 3' untranslated region of the gene, and is not expected to impact protein function.